The following is an entry in ClinVar:

ClinVar aggregate classification (germline): Uncertain significance. Review status: criteria provided, multiple submitters, no conflicts (2 of 4 stars). 3 submissions from 3 submitters: Uncertain significance (3). Last evaluated 2025-04-21.

Allele frequency attached by ClinVar (database versions not stated): gnomAD exomes 0.00003 and 0.00001; gnomAD 0.00002 and 0.00001; 1000 Genomes Project 30x 0.00016; TOPMed 0.00001; 1000 Genomes Project 0.00020; ExAC 0.00002.
gnomAD v4.1: 22 of 1,614,064 alleles (0.0014%); highest among the groups gnomAD compares: South Asian, 0.019%; no homozygotes.

Submissions (3):

Mayo Clinic Laboratories, Mayo Clinic
Classification: Uncertain significance. Last evaluated: 2025-04-21. Review status: criteria provided, single submitter. Criteria: ACMG Guidelines, 2015. Collection method: clinical testing. Allele origin: germline. Observed: 2 variant alleles.
Comment: BP4

Eurofins Ntd Llc (ga)
Classification: Uncertain significance. Last evaluated: 2018-03-20. Review status: criteria provided, single submitter. Criteria: EGL ClinVar v180209 classification definitions. Collection method: clinical testing. Allele origin: germline. Observed: 1 variant allele, 1 heterozygote.

GeneDx
Classification: Uncertain significance. Last evaluated: 2014-02-06. Review status: criteria provided, single submitter. Criteria: GeneDx Variant Classification (06012015). Collection method: clinical testing. Allele origin: germline. Affected: yes.
Comment: Missense variants in the TTN gene are considered 'unclassified' if they are not previously reported in the literature and do not have >1% frequency in the population to be considered a polymorphism. Research indicates that truncating mutations in the TTN gene are expected to account for approximately 25% of familial and 18% of sporadic idiopathic DCM; however, truncating variants in the TTN gene have been reported in approximately 3% of reported control alleles. There has been little investigation into non-truncating variants. (Herman D et al. Truncations of titin causing dilated cardiomyopathy. N Eng J Med 366:619-628, 2012) The variant is found in CARDIOMYOPATHY panel(s).

NM_001267550.2(TTN):c.2255G>A (p.Arg752His)

Gene: TTN (titin; minus strand). Cytogenetic location: 2q31.2.
Variant type: single nucleotide variant.
Coding change: c.2255G>A on transcript NM_001267550.2 (MANE Select); coding-DNA position 2255, G replaced by A.
Protein change: p.Arg752His; replaces arginine 752 with histidine.
Molecular consequence: missense variant.
Genome position (GRCh38, 1-based): chr2:178,785,963, C>T on the plus strand (G>A on the coding strand, the complement: TTN is on the minus strand). VCF-style: chr2-178785963-C-T. GRCh37 (hg19) VCF-style: chr2-179650690-C-T.
Other names: p.R752H:CGT>CAT; c.2117G>A, p.Arg706His (NM_003319.4, NM_133432.3, NM_133437.4); c.2255G>A, p.Arg752His (NM_133378.4, NM_133379.5, NM_001256850.1); short protein forms R752H, R706H.
Identifiers: ClinVar variation 202772 (VCV000202772.11), dbSNP rs549724517, ClinGen allele CA310236.